The following is an entry in ClinVar:

NM_000540.3(RYR1):c.2711C>T (p.Pro904Leu)

Gene: RYR1 (ryanodine receptor 1; plus strand). Cytogenetic location: 19q13.2.
Variant type: single nucleotide variant.
Coding change: c.2711C>T on transcript NM_000540.3 (MANE Select); coding-DNA position 2711, C replaced by T.
Protein change: p.Pro904Leu; replaces proline 904 with leucine.
Molecular consequence: missense variant.
Genome position (GRCh38, 1-based): chr19:38,463,775, C>T. VCF-style: chr19-38463775-C-T. GRCh37 (hg19) VCF-style: chr19-38954415-C-T.
Other names: c.2711C>T, p.Pro904Leu (NM_001042723.2); short protein forms P904L.
Identifiers: ClinVar variation 328999 (VCV000328999.22), dbSNP rs544742812, ClinGen allele CA063872.
Genomic context (GRCh38, chr19:38,463,775, plus strand): 5'-AGCACATGGAGTTGACCCTGGGTTTTCTCCAGGTTCGGGATGACAACAAGAGGCTGCACC[C>T]GTGTCTTGTGGACTTCCACAGCCTTCCAGAGCCTGAGAGGAACTACAACCTGCAGATGTC-3'
Protein context (NP_000531.2, residues 894-914): PVRDDNKRLH[Pro904Leu]CLVDFHSLPE

ClinVar aggregate classification (germline): Uncertain significance. Review status: criteria provided, multiple submitters, no conflicts (2 of 4 stars). 8 submissions from 7 submitters: Uncertain significance (8). Last evaluated 2025-04-08.

Conditions:
Inborn genetic diseases. Identifiers: MedGen C0950123, MeSH D030342.
Congenital multicore myopathy with external ophthalmoplegia (CMYO1B). Also called: MULTIMINICORE DISEASE WITH EXTERNAL OPHTHALMOPLEGIA; MULTICORE MYOPATHY; Congenital myopathy 1B, autosomal recessive; Minicore myopathy; Minicore myopathy with external ophthalmoplegia. Identifiers: Orphanet 598, Orphanet 98905, MedGen C1850674, MONDO:0009712, OMIM 255320, HP:0003789.
Malignant hyperthermia, susceptibility to, 1 (MHS1). Also called: Anesthesia related hyperthermia; Malignant hyperpyrexia; Fulminating hyperpyrexia; Pharmacogenic myopathy; RYR1-Related Malignant Hyperthermia Susceptibility; Malignant hyperthermia suceptibility 1. Identifiers: Orphanet 423, MedGen C2930980, MONDO:0007783, OMIM 145600.
RYR1-related disorder. Also called: RYR1-related disorders; RYR1-related condition. Identifiers: MedGen CN239331.

Allele frequency attached by ClinVar (database versions not stated): gnomAD 0.00005 and 0.00006; ExAC 0.00002; gnomAD exomes 0.00003; TOPMed 0.00003.
gnomAD v4.1: 59 of 1,613,946 alleles (0.0037%); highest among the groups gnomAD compares: Middle Eastern, 0.016%; no homozygotes.

Submissions (8):

Labcorp Genetics (formerly Invitae), Labcorp
Classification: Uncertain significance for RYR1-related disorder. Last evaluated: 2025-04-08. Review status: criteria provided, single submitter. Criteria: Invitae Variant Classification Sherloc (09022015). Collection method: clinical testing. Allele origin: germline.
Comment: This sequence change replaces proline, which is neutral and non-polar, with leucine, which is neutral and non-polar, at codon 904 of the RYR1 protein (p.Pro904Leu). This variant is present in population databases (rs544742812, gnomAD 0.005%). This variant has not been reported in the literature in individuals affected with RYR1-related conditions. ClinVar contains an entry for this variant (Variation ID: 328999). Invitae Evidence Modeling of protein sequence and biophysical properties (such as structural, functional, and spatial information, amino acid conservation, physicochemical variation, residue mobility, and thermodynamic stability) indicates that this missense variant is expected to disrupt RYR1 protein function with a positive predictive value of 95%. In summary, the available evidence is currently insufficient to determine the role of this variant in disease. Therefore, it has been classified as a Variant of Uncertain Significance.

Color Diagnostics, LLC DBA Color Health
Classification: Uncertain significance for Malignant hyperthermia, susceptibility to, 1. Last evaluated: 2024-03-06. Review status: criteria provided, single submitter. Criteria: ACMG Guidelines, 2015. Collection method: clinical testing. Allele origin: germline.
Comment: This missense variant replaces proline with leucine at codon 904 of the RYR1 protein. Computational prediction suggests that this variant may have deleterious impact on protein structure and function. To our knowledge, functional studies have not been reported for this variant. This variant has not been reported in individuals affected with malignant hyperthermia in the literature. This variant has been identified in 10/282818 chromosomes in the general population by the Genome Aggregation Database (gnomAD). The available evidence is insufficient to determine the role of this variant in disease conclusively. Therefore, this variant is classified as a Variant of Uncertain Significance.

Blueprint Genetics
Classification: Uncertain significance. Last evaluated: 2024-01-17. Review status: criteria provided, single submitter. Criteria: ACMG Guidelines, 2015. Collection method: clinical testing. Allele origin: germline.

All of Us Research Program, National Institutes of Health
Classification: Uncertain significance for Malignant hyperthermia, susceptibility to, 1. Last evaluated: 2023-11-30. Review status: criteria provided, single submitter. Criteria: ACMG Guidelines, 2015. Collection method: clinical testing. Allele origin: germline. Inheritance: Autosomal dominant inheritance. Observed: 11 variant alleles, 11 heterozygotes.
Comment: This missense variant replaces proline with leucine at codon 904 of the RYR1 protein. Computational prediction suggests that this variant may have deleterious impact on protein structure and function (internally defined REVEL score threshold >= 0.7, PMID: 27666373). To our knowledge, functional studies have not been reported for this variant. This variant has not been reported in individuals affected with malignant hyperthermia in the literature. This variant has been identified in 10/282818 chromosomes in the general population by the Genome Aggregation Database (gnomAD). The available evidence is insufficient to determine the role of this variant in disease conclusively. Therefore, this variant is classified as a Variant of Uncertain Significance.

This study involves interpretation of variants in research participants for the purpose of population health screening. Participant phenotype was not available at the time of variant classification. Additional details can be found in publication PMID: 35346344, PMCID: PMC8962531

Revvity Omics, Revvity
Classification: Uncertain significance. Last evaluated: 2023-11-28. Review status: criteria provided, single submitter. Criteria: ACMG Guidelines, 2015. Collection method: clinical testing. Allele origin: germline.

Ambry Genetics
Classification: Uncertain significance for Inborn genetic diseases. Last evaluated: 2023-08-22. Review status: criteria provided, single submitter. Criteria: Ambry Variant Classification Scheme 2023. Collection method: clinical testing. Allele origin: germline.

Illumina Laboratory Services, Illumina
Classification: Uncertain significance for Congenital multicore myopathy with external ophthalmoplegia. Last evaluated: 2018-01-13. Review status: criteria provided, single submitter. Criteria: ICSL Variant Classification Criteria 13 December 2019. Collection method: clinical testing. Allele origin: germline.

Illumina Laboratory Services, Illumina
Classification: Uncertain significance for Malignant hyperthermia, susceptibility to, 1. Last evaluated: 2018-01-13. Review status: criteria provided, single submitter. Criteria: ICSL Variant Classification Criteria 13 December 2019. Collection method: clinical testing. Allele origin: germline.